The following is an entry in ClinVar:

NM_000051.4(ATM):c.3961A>G (p.Met1321Val)

Gene: ATM (ATM serine/threonine kinase; plus strand). Cytogenetic location: 11q22.3.
Variant type: single nucleotide variant.
Coding change: c.3961A>G on transcript NM_000051.4 (MANE Select); coding-DNA position 3961, A replaced by G.
Protein change: p.Met1321Val; replaces methionine 1321 with valine.
Molecular consequence: missense variant.
Genome position (GRCh38, 1-based): chr11:108,284,441, A>G. VCF-style: chr11-108284441-A-G. GRCh37 (hg19) VCF-style: chr11-108155168-A-G.
Other names: p.M1321V:ATG>GTG; c.3961A>G, p.Met1321Val (NM_001351834.2); short protein forms M1321V.
Identifiers: ClinVar variation 181953 (VCV000181953.27), dbSNP rs730881366, ClinGen allele CA298235.

ClinVar aggregate classification (germline): Conflicting classifications of pathogenicity. Review status: criteria provided, conflicting classifications (1 of 4 stars). 8 submissions from 8 submitters: Uncertain significance (5); Likely benign (1). 2 of the submissions do not count toward it. Last evaluated 2025-07-07.

Conditions:
Hereditary cancer-predisposing syndrome. Also called: Tumor predisposition; Hereditary Cancer Syndrome; Hereditary neoplastic syndrome; Neoplastic Syndromes, Hereditary. Identifiers: Orphanet 140162, MedGen C0027672, MeSH D009386, MONDO:0015356.
Familial cancer of breast. Also called: BREAST CANCER, FAMILIAL; hereditary breast carcinoma; Hereditary breast cancer. Identifiers: Orphanet 227535, MedGen C0346153, MONDO:0016419, OMIM 114480. Disease mechanism: loss of function.
Ataxia-telangiectasia syndrome (AT). Also called: LOUIS-BAR SYNDROME; Cerebello-oculocutaneous telangiectasia; Immunodeficiency with ataxia telangiectasia; ATAXIA-TELANGIECTASIA, COMPLEMENTATION GROUP A; ATAXIA-TELANGIECTASIA, FRESNO VARIANT; Ataxia-telangiectasia. Identifiers: Orphanet 100, MedGen C0004135, MONDO:0008840, OMIM 208900.
Malignant tumor of breast. Also called: Cancer breast; Malignant breast neoplasm. Identifiers: MedGen C0006142, MONDO:0007254. Disease mechanism: loss of function.

Allele frequency attached by ClinVar (database versions not stated): gnomAD exomes below 0.00001 and 0.00001; ExAC 0.00001.

Submissions (8):

Labcorp Genetics (formerly Invitae), Labcorp
Classification: Uncertain significance for Ataxia-telangiectasia syndrome. Last evaluated: 2025-07-07. Review status: criteria provided, single submitter. Criteria: Invitae Variant Classification Sherloc (09022015). Collection method: clinical testing. Allele origin: germline.
Comment: This sequence change replaces methionine, which is neutral and non-polar, with valine, which is neutral and non-polar, at codon 1321 of the ATM protein (p.Met1321Val). This variant is present in population databases (rs730881366, gnomAD 0.003%). This missense change has been observed in individual(s) with breast cancer and/or suspected Lynch syndrome (PMID: 25980754, 32885271). ClinVar contains an entry for this variant (Variation ID: 181953). Invitae Evidence Modeling of protein sequence and biophysical properties (such as structural, functional, and spatial information, amino acid conservation, physicochemical variation, residue mobility, and thermodynamic stability) indicates that this missense variant is not expected to disrupt ATM protein function with a negative predictive value of 95%. In summary, the available evidence is currently insufficient to determine the role of this variant in disease. Therefore, it has been classified as a Variant of Uncertain Significance.

Ambry Genetics
Classification: Likely benign for Hereditary cancer-predisposing syndrome. Last evaluated: 2024-05-21. Review status: criteria provided, single submitter. Criteria: Ambry Variant Classification Scheme 2023. Collection method: clinical testing. Allele origin: germline.

Color Diagnostics, LLC DBA Color Health
Classification: Uncertain significance for Hereditary cancer-predisposing syndrome. Last evaluated: 2024-05-08. Review status: criteria provided, single submitter. Criteria: ACMG Guidelines, 2015. Collection method: clinical testing. Allele origin: germline.
Comment: This missense variant replaces methionine with valine at codon 1321 of the ATM protein. Computational prediction is inconclusive regarding the impact of this variant on protein structure and function. To our knowledge, functional studies have not been reported for this variant. This variant has been reported in individuals affected with breast cancer and/or ovarian cancer (PMID: 28779002, 32885271). In an international breast cancer case-control meta-analysis, this variant was detected in 2/60466 cases and absent in 53461 unaffected controls (PMID: 33471991). This variant has been identified in 1/251200 chromosomes in the general population by the Genome Aggregation Database (gnomAD). The available evidence is insufficient to determine the role of this variant in disease conclusively. Therefore, this variant is classified as a Variant of Uncertain Significance.

Molecular Pathology, Peter Maccallum Cancer Centre
Classification: Uncertain significance for Ataxia-telangiectasia syndrome. Last evaluated: 2024-03-27. Review status: criteria provided, single submitter. Criteria: ACMG Guidelines, 2015. Collection method: clinical testing. Allele origin: germline. Inheritance: Autosomal recessive inheritance.

Baylor Genetics
Classification: Uncertain significance for Familial cancer of breast. Last evaluated: 2024-02-16. Review status: criteria provided, single submitter. Criteria: ACMG Guidelines, 2015. Collection method: clinical testing. Allele origin: unknown.

GeneDx
Classification: Uncertain significance. Last evaluated: 2016-03-30. Review status: criteria provided, single submitter. Criteria: GeneDx Variant Classification (06012015). Collection method: clinical testing. Allele origin: germline. Affected: yes.
Comment: This variant is denoted ATM c.3961A>G at the cDNA level, p.Met1321Val (M1321V) at the protein level, and results in the change of a Methionine to a Valine (ATG>GTG). This variant was observed in at least one individual with a personal history of a Lynch syndrome associated cancer and/or colon polyps (Yurgelun 2015). ATM Met1321Val was not observed in approximately 6,500 individuals of European and African American ancestry in the NHLBI Exome Sequencing Project, suggesting it is not a common benign variant in these populations. Since Methionine and Valine share similar properties, this is considered a conservative amino acid substitution. ATM Met1321Val occurs at a position that is not conserved and is not located in a known functional domain (Tavtigian 2009, Stracker 2013). In silico analyses predict that this variant is unlikely to alter protein structure or function. Based on currently available evidence, it is unclear whether ATM Met1321Val is a pathogenic or benign variant. We consider it to be a variant of uncertain significance.

Natera, Inc.
Classification: Uncertain significance for Ataxia-telangiectasia. Last evaluated: 2021-06-30. Review status: no assertion criteria provided. Collection method: clinical testing. Allele origin: germline. Not counted in ClinVar's aggregate classification.

Department of Pathology and Laboratory Medicine, Sinai Health System
Classification: Uncertain significance for Malignant tumor of breast. Review status: no assertion criteria provided. Collection method: clinical testing. Allele origin: unknown. Affected: yes. Study: The Canadian Open Genetics Repository (COGR). Not counted in ClinVar's aggregate classification.
Comment: The ATM p.Met1321Val variant was identified in 1 of 2520 proband chromosomes (frequency: 0.0004) from individuals or families with Lynch syndrome (Yurgelun 2015). The variant was also identified in dbSNP (ID: rs730881366) as "With Uncertain significance allele", ClinVar (classified as uncertain significance by GeneDx, Invitae and Ambry Genetics). The variant was not identified in LOVD 3.0. The variant was identified in control databases in 1 of 245964 chromosomes at a frequency of 0.000004 (Genome Aggregation Database Feb 27, 2017). The variant was observed in the South Asian population in 1 of 30780 chromosomes (freq: 0.00003), while the variant was not observed in the African, Other, Latino, European, Ashkenazi Jewish, East Asian, or Finnish populations. The p.Met1321 residue is not conserved in mammals and computational analyses (PolyPhen-2, SIFT, AlignGVGD, BLOSUM, MutationTaster) do not suggest a high likelihood of impact to the protein; however, this information is not predictive enough to rule out pathogenicity. The variant occurs outside of the splicing consensus sequence and in silico or computational prediction software programs (SpliceSiteFinder, MaxEntScan, NNSPLICE, GeneSplicer) do not predict a difference in splicing. In summary, based on the above information, the clinical significance of this variant cannot be determined with certainty at this time. This variant is classified as a variant of uncertain significance.

Literature cited by the submitters: PubMed 25980754 (cited by Labcorp Genetics (formerly Invitae), Labcorp); PubMed 32885271 (cited by 3 submitters); PubMed 28779002 (cited by Ambry Genetics and Color Diagnostics, LLC DBA Color Health); PubMed 33471991 (cited by Color Diagnostics, LLC DBA Color Health).